The following is an entry in ClinVar:

ClinVar aggregate classification (germline): Uncertain significance (1 of 4 stars; one submission).

Conditions:
Congenital myasthenic syndrome 20. Also called: Myasthenic syndrome, congenital, 20, presynaptic. Identifiers: MedGen C4310694, MONDO:0014939, OMIM 617143.
Neuronopathy, distal hereditary motor, type 7A. Also called: Neuronopathy, distal hereditary motor, type viia; NEURONOPATHY, DISTAL HEREDITARY MOTOR, HARDING TYPE VIIA; NEUROPATHY, DISTAL HEREDITARY MOTOR, HARDING TYPE VIIA; Neuronopathy, distal hereditary motor, autosomal dominant 7; HARPER-YOUNG MYOPATHY; HMN VIIA. Identifiers: Orphanet 139589, MedGen C1834703, MONDO:0008024, OMIM 158580.

Submission:

Labcorp Genetics (formerly Invitae), Labcorp
Classification: Uncertain significance for Neuronopathy, distal hereditary motor, type 7A; Congenital myasthenic syndrome 20. Last evaluated: 2025-10-21. Review status: criteria provided, single submitter. Criteria: Invitae Variant Classification Sherloc (09022015). Collection method: clinical testing. Allele origin: germline.
Comment: This sequence change replaces glycine, which is neutral and non-polar, with glutamic acid, which is acidic and polar, at codon 198 of the SLC5A7 protein (p.Gly198Glu). This variant is not present in population databases (gnomAD no frequency). This variant has not been reported in the literature in individuals affected with SLC5A7-related conditions. Invitae Evidence Modeling of protein sequence and biophysical properties (such as structural, functional, and spatial information, amino acid conservation, physicochemical variation, residue mobility, and thermodynamic stability) indicates that this missense variant is expected to disrupt SLC5A7 protein function with a positive predictive value of 80%. In summary, the available evidence is currently insufficient to determine the role of this variant in disease. Therefore, it has been classified as a Variant of Uncertain Significance.

NM_021815.5(SLC5A7):c.593G>A (p.Gly198Glu)

Gene: SLC5A7 (solute carrier family 5 member 7; plus strand). Cytogenetic location: 2q12.3.
Variant type: single nucleotide variant.
Coding change: c.593G>A on transcript NM_021815.5 (MANE Select); coding-DNA position 593, G replaced by A.
Protein change: p.Gly198Glu; replaces glycine 198 with glutamic acid.
Molecular consequence: missense variant. On other transcripts: 5 prime UTR variant (1).
Genome position (GRCh38, 1-based): chr2:107,997,982, G>A. VCF-style: chr2-107997982-G-A. GRCh37 (hg19) VCF-style: chr2-108614438-G-A.
Other names: c.593G>A, p.Gly198Glu (NM_001305005.3); c.278G>A, p.Gly93Glu (NM_001305006.3); c.-112G>A (NM_001305007.3); short protein forms G93E, G198E.
Identifiers: ClinVar variation 4783476 (VCV004783476.1).